The following is an entry in ClinVar:

NM_004928.3(CFAP410):c.387G>A (p.Glu129=)

Gene: CFAP410 (cilia and flagella associated protein 410; minus strand). Cytogenetic location: 21q22.3.
Variant type: single nucleotide variant.
Coding change: c.387G>A on transcript NM_004928.3 (MANE Select); coding-DNA position 387, G replaced by A.
Protein change: p.Glu129=; no amino-acid change (glutamic acid 129 retained).
Molecular consequence: synonymous variant.
Genome position (GRCh38, 1-based): chr21:44,332,001, C>T on the plus strand (G>A on the coding strand, the complement: CFAP410 is on the minus strand). VCF-style: chr21-44332001-C-T. GRCh37 (hg19) VCF-style: chr21-45751884-C-T.
Other names: c.387G>A (NM_004928.2); c.387G>A, p.Glu129= (NM_001271440.2, NM_001271441.2); c.264G>A, p.Glu88= (NM_001271442.1).
Identifiers: ClinVar variation 4702124 (VCV004702124.2).

ClinVar aggregate classification (germline): Likely benign. Review status: criteria provided, multiple submitters, no conflicts (2 of 4 stars). 2 submissions from 2 submitters: Likely benign (2). Last evaluated 2025-08-15.

Conditions:
CFAP410-related disorder. Also called: CFAP410-related condition.

gnomAD v4.1: 4 of 1,601,766 alleles (0.00025%); highest among the groups gnomAD compares: Admixed American, 0.0017%; no homozygotes.

Submissions (2):

PreventionGenetics, part of Exact Sciences
Classification: Likely benign for CFAP410-related condition. Last evaluated: 2025-08-15. Review status: criteria provided, single submitter. Criteria: ACMG Guidelines, 2015. Collection method: clinical testing. Allele origin: germline.
Comment: This variant is classified as likely benign based on ACMG/AMP sequence variant interpretation guidelines (Richards et al. 2015 PMID: 25741868, with internal and published modifications).

Labcorp Genetics (formerly Invitae), Labcorp
Classification: Likely benign. Last evaluated: 2025-07-05. Review status: criteria provided, single submitter. Criteria: Invitae Variant Classification Sherloc (09022015). Collection method: clinical testing. Allele origin: germline.